The following is an entry in ClinVar:

ClinVar aggregate classification (germline): Likely benign. Review status: criteria provided, multiple submitters, no conflicts (2 of 4 stars). 4 submissions from 4 submitters: Likely benign (3). 1 of the submissions does not count toward it. Last evaluated 2026-02-02.

Conditions:
ABCA1-related disorder. Also called: ABCA1-related condition; ABCA1-related disorders. Identifiers: MedGen CN239173.
Cardiovascular phenotype. Identifiers: MedGen CN230736.

Allele frequency attached by ClinVar (database versions not stated): gnomAD exomes 0.00007 and 0.00019; ExAC 0.00021; gnomAD 0.00082 and 0.00085; TOPMed 0.00096; 1000 Genomes Project 0.00100; ESP Exome Variant Server 0.00115; 1000 Genomes Project 30x 0.00078.
gnomAD v4.1: 234 of 1,614,208 alleles (0.014%); highest among the groups gnomAD compares: African/African-American, 0.28%; 1 homozygote.

Submissions (4):

Women's Health and Genetics/Laboratory Corporation of America, LabCorp
Classification: Likely benign. Last evaluated: 2026-02-02. Review status: criteria provided, single submitter. Criteria: LabCorp Variant Classification Summary - May 2015. Collection method: clinical testing. Allele origin: germline.
Comment: Variant summary: ABCA1 c.4022G>C (p.Arg1341Thr) results in a non-conservative amino acid change in the encoded protein sequence. Algorithms developed to predict the effect of missense changes on protein structure and function are either unavailable or do not agree on the potential impact of this missense change. The variant allele was found at a frequency of 0.00019 in 251490 control chromosomes, predominantly at a frequency of 0.0028 within the African or African-American subpopulation in the gnomAD database. The observed variant frequency within African or African-American control individuals in the gnomAD database exceeds the estimated maximal expected allele frequency for disease-causing variants in ABCA1. To our knowledge, no occurrence of c.4022G>C in individuals affected with ABCA1-related conditions and no experimental evidence demonstrating its impact on protein function have been reported. ClinVar contains an entry for this variant (Variation ID: 1093077). Based on the evidence outlined above, the variant was classified as likely benign.

Labcorp Genetics (formerly Invitae), Labcorp
Classification: Likely benign. Last evaluated: 2025-11-01. Review status: criteria provided, single submitter. Criteria: Invitae Variant Classification Sherloc (09022015). Collection method: clinical testing. Allele origin: germline.

Ambry Genetics
Classification: Likely benign for Cardiovascular phenotype. Last evaluated: 2024-12-16. Review status: criteria provided, single submitter. Criteria: Ambry Variant Classification Scheme 2023. Collection method: clinical testing. Allele origin: germline.

PreventionGenetics, part of Exact Sciences
Classification: Likely benign for ABCA1-related condition. Last evaluated: 2024-06-10. Review status: no assertion criteria provided. Collection method: clinical testing. Allele origin: germline. Not counted in ClinVar's aggregate classification.
Comment: This variant is classified as likely benign based on ACMG/AMP sequence variant interpretation guidelines (Richards et al. 2015 PMID: 25741868, with internal and published modifications).

NM_005502.4(ABCA1):c.4022G>C (p.Arg1341Thr)

Gene: ABCA1 (ATP binding cassette subfamily A member 1; minus strand). Cytogenetic location: 9q31.1.
Variant type: single nucleotide variant.
Coding change: c.4022G>C on transcript NM_005502.4 (MANE Select); coding-DNA position 4022, G replaced by C.
Protein change: p.Arg1341Thr; replaces arginine 1341 with threonine.
Molecular consequence: missense variant.
Genome position (GRCh38, 1-based): chr9:104,812,602, C>G on the plus strand (G>C on the coding strand, the complement: ABCA1 is on the minus strand). VCF-style: chr9-104812602-C-G. GRCh37 (hg19) VCF-style: chr9-107574883-C-G.
Other names: c.4022G>C (NM_005502.3); short protein forms R1341T.
Identifiers: ClinVar variation 1093077 (VCV001093077.13), dbSNP rs147743782, ClinGen allele CA5168271.
Genomic context (GRCh38, chr9:104,812,602, plus strand): 5'-CCAGAGTCTCTGGCGAAAACAGCACGTCTCACCTGAGCAAAAAATCCTTTCCGACTCCGT[C>G]TGGCAATTAGCAGTCTCTTCCACAAAAGGGCCACAAACTGTTGCTGTGTAAGTTTCCAGC-3'
Protein context (NP_005493.2, residues 1331-1351): ALLWKRLLIA[Arg1341Thr]RSRKGFFAQI